The following is an entry in ClinVar:

ClinVar aggregate classification (germline): Likely pathogenic (1 of 4 stars; one submission).

Submission:

GeneDx
Classification: Likely pathogenic. Last evaluated: 2017-02-22. Review status: criteria provided, single submitter. Criteria: GeneDx Variant Classification (06012015). Collection method: clinical testing. Allele origin: germline. Affected: yes.
Comment: The c.897_899delTCC variant in the ELAC2 gene has not been reported previously as a pathogenic variant nor as a benign variant, to our knowledge. The c.897_899delTCC variant causes an in-frame deletion of one amnio acid, Proline 300, denoted p.Pro300del. The c.897_899delTCC variant is not observed in large population cohorts (Lek et al., 2016; 1000 Genomes Consortium et al., 2015; Exome Variant Server). This deletion occurs at a position that is conserved across species. In silico analysis predicts this variant is probably damaging to the protein structure/function. We interpret c.897_899delTCC as a likely pathogenic variant.

NM_018127.7(ELAC2):c.894TCC[1] (p.Pro300del)

Gene: ELAC2 (elaC ribonuclease Z 2; minus strand). Cytogenetic location: 17p12.
Variant type: Microsatellite.
Coding change: c.894TCC[1] on transcript NM_018127.7 (MANE Select); one copy of the 3-base unit TCC starting at c.894; the reference has two copies in a row; one copy, 3 bases deleted.
Protein change: p.Pro300del; deletes proline 300.
Molecular consequence: inframe deletion.
Genome position (GRCh38, 1-based): chr17:13,005,073-13,005,075, GGA deleted on the plus strand (TCC on the coding strand, the reverse complement: ELAC2 is on the minus strand); deleting any 3 consecutive bases within chr17:13,005,073-13,005,079 gives the same sequence; the position shown is the placement nearest the transcript's 3' end. VCF-style (leftmost placement, unchanged base first): chr17-13005072-TGGA-T. GRCh37 (hg19) VCF-style: chr17-12908389-TGGA-T.
Other names: c.774TCC[1], p.Pro260del (NM_001165962.2); c.894TCC[1], p.Pro300del (NM_173717.2); short protein forms P300del, P260del.
Identifiers: ClinVar variation 423989 (VCV000423989.2), dbSNP rs1064796732, ClinGen allele CA16620332.